The following is an entry in ClinVar:

NM_000038.6(APC):c.6765_6766dup (p.Pro2256fs)

Gene: APC (APC regulator of Wnt signaling pathway; plus strand). Cytogenetic location: 5q22.2.
Variant type: Duplication.
Coding change: c.6765_6766dup on transcript NM_000038.6 (MANE Select); coding-DNA positions 6765 to 6766, 2 bases duplicated (TC; older notation c.6765_6766dupTC).
Protein change: p.Pro2256fs; shifts the reading frame from proline 2256.
Molecular consequence: frameshift variant. On other transcripts: non-coding transcript variant (2).
Genome position (GRCh38, 1-based): chr5:112,842,359-112,842,360, TC duplicated; duplicating any 2 consecutive bases within chr5:112,842,358-112,842,360 gives the same sequence; the c. name uses the placement nearest the transcript's 3' end. VCF-style (leftmost placement, unchanged base first): chr5-112842357-A-ACT. GRCh37 (hg19) VCF-style: chr5-112178054-A-ACT.
Other names: c.6765_6766dup, p.Pro2256fs (NM_001127510.3, NM_001354895.2, NM_001407450.1); c.6711_6712dup, p.Pro2238fs (NM_001127511.3); c.6819_6820dup, p.Pro2274fs (NM_001354896.2, NM_001407447.1, NM_001407448.1 and 1 more transcripts); c.6795_6796dup, p.Pro2266fs (NM_001354897.2); c.6690_6691dup, p.Pro2231fs (NM_001354898.2); c.6681_6682dup, p.Pro2228fs (NM_001354899.2); c.6642_6643dup, p.Pro2215fs (NM_001354900.2); c.6588_6589dup, p.Pro2197fs (NM_001354901.2, NM_001407453.1); and 11 more; short protein forms P2155fs, P2238fs, P2246fs, P2274fs, P2284fs, P1973fs, P2127fs, P2173fs.
Identifiers: ClinVar variation 3722867 (VCV003722867.2).

ClinVar aggregate classification (germline): Pathogenic (1 of 4 stars; one submission).

Conditions:
Familial adenomatous polyposis 1 (FAP1). Also called: FAMILIAL ADENOMATOUS POLYPOSIS 1, ATTENUATED; POLYPOSIS, ADENOMATOUS INTESTINAL. Identifiers: MedGen C2713442, MONDO:0021056, OMIM 175100. Disease mechanism: loss of function.

Submission:

Labcorp Genetics (formerly Invitae), Labcorp
Classification: Pathogenic for Familial adenomatous polyposis 1. Last evaluated: 2024-10-13. Review status: criteria provided, single submitter. Criteria: Invitae Variant Classification Sherloc (09022015). Collection method: clinical testing. Allele origin: germline.
Comment: This sequence change creates a premature translational stop signal (p.Pro2256Leufs*24) in the APC gene. While this is not anticipated to result in nonsense mediated decay, it is expected to disrupt the last 588 amino acid(s) of the APC protein. This variant is not present in population databases (gnomAD no frequency). This variant has not been reported in the literature in individuals affected with APC-related conditions. This variant is expected to disrupt the EB1 and HDLG binding sites, which mediate interactions with the cytoskeleton (PMID: 15311282, 17293347). While functional studies have not been performed to directly test the effect on APC protein function, this suggests that disruption of the C-terminal portion of the protein is functionally important. This variant disrupts a region of the APC protein in which other variant(s) (p.Tyr2645Lysfs*14) have been determined to be pathogenic (PMID: 1316610, 8381579, 9824584, 22135120, 27081525). This suggests that this is a clinically significant region of the protein, and that variants that disrupt it are likely to be disease-causing. A different truncation (p.Tyr2645Lysfs*14) that lies downstream of this variant has been determined to be pathogenic (PMID: 9824584, 1316610, 27081525, 8381579, 22135120, internal data). This suggests that deletion of this region of the APC protein is causative of disease. For these reasons, this variant has been classified as Pathogenic.

Literature cited by the submitters: PubMed 15311282; PubMed 17293347; PubMed 1316610; PubMed 8381579; PubMed 9824584; PubMed 22135120; PubMed 27081525.